The following is an entry in ClinVar:

NM_018972.4(GDAP1):c.*1162T>C

Gene: GDAP1 (ganglioside induced differentiation associated protein 1; plus strand). Cytogenetic location: 8q21.11.
Variant type: single nucleotide variant.
Coding change: c.*1162T>C on transcript NM_018972.4 (MANE Select); 1162 bases downstream of the stop codon, T replaced by C.
Molecular consequence: 3 prime UTR variant. On other transcripts: intron variant (1).
Genome position (GRCh38, 1-based): chr8:74,365,529, T>C. VCF-style: chr8-74365529-T-C. GRCh37 (hg19) VCF-style: chr8-75277764-T-C.
Other names: c.*1162T>C (NM_001040875.4, NM_001362929.2, NM_001362930.2 and 1 more transcripts); c.694+2476T>C (NM_001362931.2).
Identifiers: ClinVar variation 363738 (VCV000363738.5), dbSNP rs113017051, ClinGen allele CA4785305.
Genomic context (GRCh38, chr8:74,365,529, plus strand): 5'-GGAACTGCAACAAATGGTTTGTGCTCAGAAAAAGTCTTTCATGGTGACAGGAAGACAGTT[T>C]CCCTGGAGCTGGCCATGAAGGCCTTAGAAGCCATTTCTGGTGTCTGGTGGGTAGCAGGCA-3'

ClinVar aggregate classification (germline): Likely benign. Review status: criteria provided, single submitter (1 of 4 stars). 2 submissions from 1 submitter: Likely benign (2). Last evaluated 2018-01-12.

Conditions:
Charcot-Marie-Tooth disease, axonal, with vocal cord paresis, autosomal recessive. Also called: CHARCOT-MARIE-TOOTH DISEASE, TYPE 4A, AXONAL FORM; CHARCOT-MARIE-TOOTH NEUROPATHY, AXONAL, WITH VOCAL CORD PARESIS, AUTOSOMAL RECESSIVE; CMT2 WITH VOCAL CORD PARESIS, AUTOSOMAL RECESSIVE. Identifiers: Orphanet 101097, MedGen C1843183, MONDO:0011898, OMIM 607706.
Charcot-Marie-Tooth disease recessive intermediate A (CMTRIA). Also called: CHARCOT-MARIE-TOOTH NEUROPATHY, RECESSIVE INTERMEDIATE A. Identifiers: Orphanet 217055, MedGen C1842197, MONDO:0012014, OMIM 608340.

Allele frequency attached by ClinVar (database versions not stated): ExAC 0.00063; gnomAD exomes 0.00069 and 0.00125; 1000 Genomes Project 0.00339; 1000 Genomes Project 30x 0.00375; gnomAD 0.00563 and 0.00611; TOPMed 0.00647.
gnomAD v4.1: 1,063 of 454,292 alleles (0.23%); highest among the groups gnomAD compares: African/African-American, 1.9%; 10 homozygotes.

Submissions (2):

Illumina Laboratory Services, Illumina
Classification: Likely benign for Charcot-Marie-Tooth disease, axonal, with vocal cord paresis, autosomal recessive. Last evaluated: 2018-01-12. Review status: criteria provided, single submitter. Criteria: ICSL Variant Classification Criteria 13 December 2019. Collection method: clinical testing. Allele origin: germline.
Comment: This variant was observed in the ICSL laboratory as part of a predisposition screen in an ostensibly healthy population. It had not been previously curated by ICSL or reported in the Human Gene Mutation Database (HGMD: prior to June 1st, 2018), and was therefore a candidate for classification through an automated scoring system. Utilizing variant allele frequency, disease prevalence and penetrance estimates, and inheritance mode, an automated score was calculated to assess if this variant is too frequent to cause the disease. Based on the score and internal cut-off values, a variant classified as likely benign is not then subjected to further curation. The score for this variant resulted in a classification of likely benign for this disease.

Illumina Laboratory Services, Illumina
Classification: Likely benign for Charcot-Marie-Tooth disease recessive intermediate A. Last evaluated: 2018-01-12. Review status: criteria provided, single submitter. Criteria: ICSL Variant Classification Criteria 13 December 2019. Collection method: clinical testing. Allele origin: germline.
Comment: the same text as in the submission from Illumina Laboratory Services, Illumina above.